The following is an entry in ClinVar:

ClinVar aggregate classification (germline): Uncertain significance (1 of 4 stars; one submission).

Submission:

CeGaT Center for Human Genetics Tuebingen
Classification: Uncertain significance. Last evaluated: 2023-12-01. Review status: criteria provided, single submitter. Criteria: CeGaT Center For Human Genetics Tuebingen Variant Classification Criteria Version 2. Collection method: clinical testing. Allele origin: germline. Affected: yes. Observed: 1 variant allele.
Comment: PCDH15: PM2

NM_001384140.1(PCDH15):c.280C>T (p.Leu94Phe)

Gene: PCDH15 (protocadherin related 15; minus strand). Cytogenetic location: 10q21.1.
Variant type: single nucleotide variant.
Coding change: c.280C>T on transcript NM_001384140.1 (MANE Select); coding-DNA position 280, C replaced by T.
Protein change: p.Leu94Phe; replaces leucine 94 with phenylalanine.
Molecular consequence: missense variant.
Genome position (GRCh38, 1-based): chr10:54,378,820, G>A on the plus strand (C>T on the coding strand, the complement: PCDH15 is on the minus strand). VCF-style: chr10-54378820-G-A. GRCh37 (hg19) VCF-style: chr10-56138580-G-A.
Other names: c.214C>T, p.Leu72Phe (NM_001354404.2, NM_001142768.2, NM_001142773.2); c.280C>T, p.Leu94Phe (NM_001354411.2, NM_001354420.2, NM_001354429.2 and 8 more transcripts); c.295C>T, p.Leu99Phe (NM_001142769.4, NM_001142771.2, NM_001142763.2); short protein forms L72F, L94F, L99F.
Identifiers: ClinVar variation 3026722 (VCV003026722.22), dbSNP rs554296133, ClinGen allele CA376540479.